The following is an entry in ClinVar:

NM_001110556.2(FLNA):c.1075C>T (p.Leu359Phe)

Gene: FLNA (filamin A; minus strand). Cytogenetic location: Xq28.
Variant type: single nucleotide variant.
Coding change: c.1075C>T on transcript NM_001110556.2 (MANE Select); coding-DNA position 1075, C replaced by T.
Protein change: p.Leu359Phe; replaces leucine 359 with phenylalanine.
Molecular consequence: missense variant.
Genome position (GRCh38, 1-based): chrX:154,366,461, G>A on the plus strand (C>T on the coding strand, the complement: FLNA is on the minus strand). VCF-style: chrX-154366461-G-A. GRCh37 (hg19) VCF-style: chrX-153594829-G-A.
Other names: c.1075C>T, p.Leu359Phe (NM_001456.4); short protein forms L359F.
Identifiers: ClinVar variation 3750499 (VCV003750499.2).

ClinVar aggregate classification (germline): Uncertain significance (1 of 4 stars; one submission).

Conditions:
Melnick-Needles syndrome (MNS). Also called: MELNICK-NEEDLES OSTEODYSPLASTY; OSTEODYSPLASTY OF MELNICK AND NEEDLES; Melnick-Needles Syndrome (FLNA-MNS). Identifiers: Orphanet 2484, MedGen C0025237, MONDO:0010650, OMIM 309350.
Frontometaphyseal dysplasia (FMD1). Identifiers: Orphanet 1826, MedGen C0265293, MONDO:0015942.
Heterotopia, periventricular, X-linked dominant (PVNH1). Also called: PERIVENTRICULAR NODULAR HETEROTOPIA 1; X-linked periventricular heterotopia; PERIVENTRICULAR NODULAR HETEROTOPIA 4; HETEROTOPIA, PERIVENTRICULAR, 1. Identifiers: Orphanet 2149, Orphanet 82004, MedGen C1848213, MONDO:0010233, OMIM 300049.
Oto-palato-digital syndrome, type II (OPD2). Also called: FACIOPALATOOSSEOUS SYNDROME; OPD II SYNDROME; Otopalatodigital Syndrome, Type II; Otopalatodigital Syndrome Type 2 (FLNA-OPD2). Identifiers: Orphanet 669, Orphanet 90652, MedGen C1844696, MONDO:0010571, OMIM 304120.

Submission:

Labcorp Genetics (formerly Invitae), Labcorp
Classification: Uncertain significance for Oto-palato-digital syndrome, type II; Heterotopia, periventricular, X-linked dominant; Frontometaphyseal dysplasia; Melnick-Needles syndrome. Last evaluated: 2024-09-15. Review status: criteria provided, single submitter. Criteria: Invitae Variant Classification Sherloc (09022015). Collection method: clinical testing. Allele origin: germline.
Comment: This sequence change replaces leucine, which is neutral and non-polar, with phenylalanine, which is neutral and non-polar, at codon 359 of the FLNA protein (p.Leu359Phe). This variant is not present in population databases (gnomAD no frequency). This variant has not been reported in the literature in individuals affected with FLNA-related conditions. Invitae Evidence Modeling of protein sequence and biophysical properties (such as structural, functional, and spatial information, amino acid conservation, physicochemical variation, residue mobility, and thermodynamic stability) indicates that this missense variant is not expected to disrupt FLNA protein function with a negative predictive value of 95%. In summary, the available evidence is currently insufficient to determine the role of this variant in disease. Therefore, it has been classified as a Variant of Uncertain Significance.